The following is an entry in ClinVar:

NM_000179.3(MSH6):c.3480C>A (p.Val1160=)

Gene: MSH6 (mutS homolog 6; plus strand). Cytogenetic location: 2p16.3.
Variant type: single nucleotide variant.
Coding change: c.3480C>A on transcript NM_000179.3 (MANE Select); coding-DNA position 3480, C replaced by A.
Protein change: p.Val1160=; no amino-acid change (valine 1160 retained).
Molecular consequence: synonymous variant.
Genome position (GRCh38, 1-based): chr2:47,804,951, C>A. VCF-style: chr2-47804951-C-A. GRCh37 (hg19) VCF-style: chr2-48032090-C-A.
Other names: c.3090C>A, p.Val1030= (NM_001281492.2); c.2574C>A, p.Val858= (NM_001281493.2, NM_001281494.2).
Identifiers: ClinVar variation 184296 (VCV000184296.22), dbSNP rs786201385, ClinGen allele CA013060.

ClinVar aggregate classification (germline): Benign/Likely benign. Review status: criteria provided, multiple submitters, no conflicts (2 of 4 stars). 5 submissions from 5 submitters: Benign (1); Likely benign (4). Last evaluated 2025-12-17.

Conditions:
Hereditary nonpolyposis colorectal neoplasms. Identifiers: MedGen C0009405, MeSH D003123.
Hereditary cancer-predisposing syndrome. Also called: Hereditary neoplastic syndrome; Neoplastic Syndromes, Hereditary; Tumor predisposition; Hereditary Cancer Syndrome. Identifiers: Orphanet 140162, MedGen C0027672, MeSH D009386, MONDO:0015356.
Lynch syndrome 5 (LYNCH5). Also called: Hereditary non-polyposis colorectal cancer, type 5; Colorectal cancer, hereditary nonpolyposis, type 5. Identifiers: Orphanet 144, MedGen C1833477, MONDO:0013710, OMIM 614350. Disease mechanism: loss of function.

gnomAD v4.1: 7 of 1,614,106 alleles (0.00043%); highest among the groups gnomAD compares: Non-Finnish European, 0.00051%; no homozygotes.

Submissions (5):

Labcorp Genetics (formerly Invitae), Labcorp
Classification: Likely benign for Hereditary nonpolyposis colorectal neoplasms. Last evaluated: 2025-12-17. Review status: criteria provided, single submitter. Criteria: Invitae Variant Classification Sherloc (09022015). Collection method: clinical testing. Allele origin: germline.

Myriad Genetics, Inc.
Classification: Benign for Lynch syndrome 5. Last evaluated: 2025-01-07. Review status: criteria provided, single submitter. Criteria: Myriad Autosomal Dominant, Autosomal Recessive and X-Linked Classification Criteria (2023). Collection method: clinical testing. Allele origin: unknown.
Comment: This variant is considered benign. This variant is a silent/synonymous amino acid change and it is not expected to impact splicing.

GeneDx
Classification: Likely benign. Last evaluated: 2019-04-02. Review status: criteria provided, single submitter. Criteria: GeneDx Variant Classification Process June 2021. Collection method: clinical testing. Allele origin: germline. Affected: yes.

Color Diagnostics, LLC DBA Color Health
Classification: Likely benign for Hereditary cancer-predisposing syndrome. Last evaluated: 2019-01-02. Review status: criteria provided, single submitter. Criteria: ACMG Guidelines, 2015. Collection method: clinical testing. Allele origin: germline.

Ambry Genetics
Classification: Likely benign for Hereditary cancer-predisposing syndrome. Last evaluated: 2014-10-02. Review status: criteria provided, single submitter. Criteria: Ambry Variant Classification Scheme 2023. Collection method: clinical testing. Allele origin: germline.